The following is an entry in ClinVar:

NM_006218.4(PIK3CA):c.541A>G (p.Ile181Val)

Gene: PIK3CA (phosphatidylinositol-4,5-bisphosphate 3-kinase catalytic subunit alpha; plus strand). Cytogenetic location: 3q26.32.
Variant type: single nucleotide variant.
Coding change: c.541A>G on transcript NM_006218.4 (MANE Select); coding-DNA position 541, A replaced by G.
Protein change: p.Ile181Val; replaces isoleucine 181 with valine.
Molecular consequence: missense variant.
Genome position (GRCh38, 1-based): chr3:179,199,878, A>G. VCF-style: chr3-179199878-A-G. GRCh37 (hg19) VCF-style: chr3-178917666-A-G.
Other names: short protein forms I181V.
Identifiers: ClinVar variation 3306598 (VCV003306598.1).

ClinVar aggregate classification (germline): Uncertain significance (1 of 4 stars; one submission).

Conditions:
Inborn genetic diseases. Identifiers: MedGen C0950123, MeSH D030342.

gnomAD v4.1: 2 of 1,600,718 alleles (0.00012%); highest among the groups gnomAD compares: South Asian, 0.0011%; no homozygotes.

Submission:

Ambry Genetics
Classification: Uncertain significance for Inborn genetic diseases. Last evaluated: 2024-05-27. Review status: criteria provided, single submitter. Criteria: Ambry Variant Classification Scheme 2023. Collection method: clinical testing. Allele origin: germline.
Comment: The p.I181V variant (also known as c.541A>G), located in coding exon 2 of the PIK3CA gene, results from an A to G substitution at nucleotide position 541. The isoleucine at codon 181 is replaced by valine, an amino acid with highly similar properties. This amino acid position is conserved. In addition, this alteration is predicted to be tolerated by in silico analysis. Based on the available evidence, the clinical significance of this variant remains unclear.